The following is an entry in ClinVar:

ClinVar aggregate classification (germline): Uncertain significance (1 of 4 stars; one submission).

Conditions:
Vici syndrome (VICIS). Identifiers: Orphanet 1493, MedGen C1855772, MONDO:0009452, OMIM 242840.

Allele frequency attached by ClinVar (database versions not stated): gnomAD exomes below 0.00001; gnomAD 0.00001; TOPMed 0.00001.
gnomAD v4.1: 8 of 1,613,836 alleles (0.0005%); highest among the groups gnomAD compares: Non-Finnish European, 0.00068%; no homozygotes.

Submission:

Labcorp Genetics (formerly Invitae), Labcorp
Classification: Uncertain significance for Vici syndrome. Last evaluated: 2022-08-16. Review status: criteria provided, single submitter. Criteria: Invitae Variant Classification Sherloc (09022015). Collection method: clinical testing. Allele origin: germline.
Comment: This sequence change replaces arginine, which is basic and polar, with threonine, which is neutral and polar, at codon 841 of the EPG5 protein (p.Arg841Thr). In summary, the available evidence is currently insufficient to determine the role of this variant in disease. Therefore, it has been classified as a Variant of Uncertain Significance. Algorithms developed to predict the effect of missense changes on protein structure and function are either unavailable or do not agree on the potential impact of this missense change (SIFT: "Tolerated"; PolyPhen-2: "Probably Damaging"; Align-GVGD: "Class C0"). ClinVar contains an entry for this variant (Variation ID: 1408058). This variant has not been reported in the literature in individuals affected with EPG5-related conditions. This variant is present in population databases (no rsID available, gnomAD 0.0009%).

NM_020964.3(EPG5):c.2522G>C (p.Arg841Thr)

Gene: EPG5 (ectopic P-granules 5 autophagy tethering factor; minus strand). Cytogenetic location: 18q21.1.
Variant type: single nucleotide variant.
Coding change: c.2522G>C on transcript NM_020964.3 (MANE Select); coding-DNA position 2522, G replaced by C.
Protein change: p.Arg841Thr; replaces arginine 841 with threonine.
Molecular consequence: missense variant.
Genome position (GRCh38, 1-based): chr18:45,928,900, C>G on the plus strand (G>C on the coding strand, the complement: EPG5 is on the minus strand). VCF-style: chr18-45928900-C-G. GRCh37 (hg19) VCF-style: chr18-43508866-C-G.
Other names: short protein forms R841T.
Identifiers: ClinVar variation 1408058 (VCV001408058.10), dbSNP rs934919689, ClinGen allele CA299774517.